The following is an entry in ClinVar:

ClinVar aggregate classification (germline): Likely benign (0 of 4 stars; one submission).

Conditions:
DDOST-related disorder. Also called: DDOST-related condition.

Allele frequency attached by ClinVar (database versions not stated): TOPMed below 0.00001; gnomAD 0.00001; ExAC 0.00002; gnomAD exomes 0.00004.
gnomAD v4.1: 64 of 1,613,596 alleles (0.004%); highest among the groups gnomAD compares: Non-Finnish European, 0.0051%; no homozygotes.

Submission:

PreventionGenetics, part of Exact Sciences
Classification: Likely benign for DDOST-related condition. Last evaluated: 2021-05-05. Review status: no assertion criteria provided. Collection method: clinical testing. Allele origin: germline.
Comment: This variant is classified as likely benign based on ACMG/AMP sequence variant interpretation guidelines (Richards et al. 2015 PMID: 25741868, with internal and published modifications).

NM_005216.5(DDOST):c.147C>T (p.Ser49=)

Gene: DDOST (dolichyl-diphosphooligosaccharide--protein glycosyltransferase non-catalytic subunit; minus strand). Cytogenetic location: 1p36.12.
Variant type: single nucleotide variant.
Coding change: c.147C>T on transcript NM_005216.5 (MANE Select); coding-DNA position 147, C replaced by T.
Protein change: p.Ser49=; no amino-acid change (serine 49 retained).
Molecular consequence: synonymous variant.
Genome position (GRCh38, 1-based): chr1:20,661,204, G>A on the plus strand (C>T on the coding strand, the complement: DDOST is on the minus strand). VCF-style: chr1-20661204-G-A. GRCh37 (hg19) VCF-style: chr1-20987697-G-A.
Identifiers: ClinVar variation 3051734 (VCV003051734.2), dbSNP rs774852781, ClinGen allele CA661360.